The following is an entry in ClinVar:

ClinVar aggregate classification (germline): Likely pathogenic (1 of 4 stars; one submission).

Submission:

Labcorp Genetics (formerly Invitae), Labcorp
Classification: Likely pathogenic. Last evaluated: 2023-12-27. Review status: criteria provided, single submitter. Criteria: Invitae Variant Classification Sherloc (09022015). Collection method: clinical testing. Allele origin: germline.
Comment: This variant results in the deletion of part of intron 3 and part of exon 4 of the FOXRED1 gene. It is expected to disrupt RNA splicing. Variants that disrupt the donor or acceptor splice site typically lead to a loss of protein function (PMID: 16199547), and loss-of-function variants in FOXRED1 are known to be pathogenic (PMID: 20818383, 20858599). This variant is not present in population databases (gnomAD no frequency). This variant has not been reported in the literature in individuals affected with FOXRED1-related conditions. In summary, the currently available evidence indicates that the variant is pathogenic, but additional data are needed to prove that conclusively. Therefore, this variant has been classified as Likely Pathogenic.

Literature cited by the submitters: PubMed 16199547; PubMed 20818383; PubMed 20858599.

NM_017547.4(FOXRED1):c.418-4_423del

Gene: FOXRED1 (FAD dependent oxidoreductase domain containing 1; plus strand). Cytogenetic location: 11q24.2.
Variant type: Deletion.
Coding change: c.418-4_423del on transcript NM_017547.4 (MANE Select); 4 bases into the intron before coding-DNA position 418 through coding-DNA position 423, 10 bases deleted (ACAGGAGTAC; older notation c.418-4_423delACAGGAGTAC).
Molecular consequence: splice acceptor variant. On other transcripts: frameshift variant (1).
Genome position (GRCh38, 1-based): chr11:126,273,332-126,273,341, ACAGGAGTAC deleted; deleting any 10 consecutive bases within chr11:126,273,330-126,273,341 gives the same sequence; the c. name uses the placement nearest the transcript's 3' end. VCF-style (leftmost placement, unchanged base first): chr11-126273329-CACACAGGAGT-C. GRCh37 (hg19) VCF-style: chr11-126143224-CACACAGGAGT-C.
Other names: c.444_453delACAGGAGTAC, p.Gln149Trpfs (NM_001425160.1); c.-97_-88delACAGGAGTAC (NM_001425169.1).
Identifiers: ClinVar variation 2705972 (VCV002705972.3), dbSNP rs2497178565, ClinGen allele CA2697559042.